The following is an entry in ClinVar:

NM_001018115.3(FANCD2):c.28T>C (p.Ser10Pro)

Gene: FANCD2 (FA complementation group D2; plus strand). Cytogenetic location: 3p25.3.
Variant type: single nucleotide variant.
Coding change: c.28T>C on transcript NM_001018115.3 (MANE Select); coding-DNA position 28, T replaced by C.
Protein change: p.Ser10Pro; replaces serine 10 with proline.
Molecular consequence: missense variant.
Genome position (GRCh38, 1-based): chr3:10,028,685, T>C. VCF-style: chr3-10028685-T-C. GRCh37 (hg19) VCF-style: chr3-10070369-T-C.
Other names: c.28T>C, p.Ser10Pro (NM_001319984.2, NM_001374253.1, NM_001374254.1 and 2 more transcripts); short protein forms S10P.
Identifiers: ClinVar variation 575540 (VCV000575540.15), dbSNP rs150075366, ClinGen allele CA2249075.
Genomic context (GRCh38, chr3:10,028,685, plus strand): 5'-GAAGTAATTTAAGTGCACAAGACATTGGTCAAAATGGTTTCCAAAAGAAGACTGTCAAAA[T>C]CTGAGGATAAAGAGAGCCTGACAGAAGATGCCTCCAGTAAGTATCTAGTCATTTGTTGCT-3'
Protein context (NP_001018125.1, residues 1-20): MVSKRRLSK[Ser10Pro]EDKESLTEDA

ClinVar aggregate classification (germline): Uncertain significance. Review status: criteria provided, multiple submitters, no conflicts (2 of 4 stars). 6 submissions from 6 submitters: Uncertain significance (6). Last evaluated 2025-01-31.

Conditions:
Fanconi anemia (FA). Also called: Fanconi's anemia. Identifiers: Orphanet 84, MedGen C0015625, MeSH D005199, MONDO:0019391.
Fanconi anemia complementation group D2. Also called: FANCD2-Related Fanconi Anemia; FANCONI PANCYTOPENIA, TYPE 4; FANCONI ANEMIA, COMPLEMENTATION GROUP D. Identifiers: Orphanet 84, MedGen C3160738, MONDO:0009214, OMIM 227646.

Allele frequency attached by ClinVar (database versions not stated): gnomAD 0.00009; gnomAD exomes 0.00012 and 0.00015; TOPMed 0.00012; ExAC 0.00017; ESP Exome Variant Server 0.00023.
gnomAD v4.1: 185 of 1,614,038 alleles (0.011%); highest among the groups gnomAD compares: Non-Finnish European, 0.015%; 1 homozygote.

Submissions (6):

Labcorp Genetics (formerly Invitae), Labcorp
Classification: Uncertain significance for Fanconi anemia. Last evaluated: 2025-01-31. Review status: criteria provided, single submitter. Criteria: Invitae Variant Classification Sherloc (09022015). Collection method: clinical testing. Allele origin: germline.
Comment: This sequence change replaces serine, which is neutral and polar, with proline, which is neutral and non-polar, at codon 10 of the FANCD2 protein (p.Ser10Pro). This variant is present in population databases (rs150075366, gnomAD 0.03%). This variant has not been reported in the literature in individuals affected with FANCD2-related conditions. ClinVar contains an entry for this variant (Variation ID: 575540). An algorithm developed to predict the effect of missense changes on protein structure and function (PolyPhen-2) suggests that this variant is likely to be disruptive. In summary, the available evidence is currently insufficient to determine the role of this variant in disease. Therefore, it has been classified as a Variant of Uncertain Significance.

Blueprint Genetics
Classification: Uncertain significance. Last evaluated: 2024-11-04. Review status: criteria provided, single submitter. Criteria: ACMG Guidelines, 2015. Collection method: clinical testing. Allele origin: germline.

Institute for Clinical Genetics, University Hospital TU Dresden, University Hospital TU Dresden
Classification: Uncertain significance. Last evaluated: 2021-11-03. Review status: criteria provided, single submitter. Criteria: ACMG Guidelines, 2015. Collection method: clinical testing. Allele origin: germline.

Sema4
Classification: Uncertain significance for Fanconi anemia. Last evaluated: 2021-09-16. Review status: criteria provided, single submitter. Criteria: Sema4 Curation Guidelines. Collection method: curation. Allele origin: germline.
Comment: The FANCD2 c.28T>C p.S10P variant has been reported in heterozygosity in at least three individuals with ovarian cancer and six controls from the same study (PMID: 32546565). It was observed in 38/129152 chromosomes of the Non-Finnish European subpopulation, with no homozygotes, in the large and broad cohorts of the Genome Aggregation Database (PMID: 32461654). The variant has been reported in ClinVar (Variation ID 575540). In silico tools suggest the impact of the variant on protein function is benign, though these predictions have not been confirmed by functional studies. The evidence is insufficient to meet ACMG/AMP criteria for classifying the variant as benign or pathogenic. Thus, the clinical significance of this variant is currently uncertain.

Fulgent Genetics
Classification: Uncertain significance for Fanconi anemia complementation group D2. Last evaluated: 2018-10-31. Review status: criteria provided, single submitter. Criteria: ACMG Guidelines, 2015. Collection method: clinical testing. Allele origin: unknown.

Illumina Laboratory Services, Illumina
Classification: Uncertain significance for Fanconi anemia complementation group D2. Last evaluated: 2017-04-27. Review status: criteria provided, single submitter. Criteria: ICSL Variant Classification Criteria 13 December 2019. Collection method: clinical testing. Allele origin: germline.

Literature cited by the submitters: PubMed 32546565 (cited by Sema4).